The following is an entry in ClinVar:

ClinVar aggregate classification (germline): Uncertain significance (1 of 4 stars; one submission).

Conditions:
Hereditary cancer-predisposing syndrome. Also called: Neoplastic Syndromes, Hereditary; Tumor predisposition; Hereditary Cancer Syndrome; Hereditary neoplastic syndrome. Identifiers: Orphanet 140162, MedGen C0027672, MeSH D009386, MONDO:0015356.

Submission:

Ambry Genetics
Classification: Uncertain significance for Hereditary cancer-predisposing syndrome. Last evaluated: 2026-01-20. Review status: criteria provided, single submitter. Criteria: Ambry Variant Classification Scheme 2023. Collection method: clinical testing. Allele origin: germline.
Comment: The p.S847Y variant (also known as c.2540C>A), located in coding exon 16 of the CDH1 gene, results from a C to A substitution at nucleotide position 2540. The serine at codon 847 is replaced by tyrosine, an amino acid with dissimilar properties. This amino acid position is conserved. In addition, this alteration is predicted to be deleterious by in silico analysis. Based on the available evidence, the clinical significance of this variant remains unclear.

NM_004360.5(CDH1):c.2540C>A (p.Ser847Tyr)

Gene: CDH1 (cadherin 1; plus strand). Cytogenetic location: 16q22.1.
Variant type: single nucleotide variant.
Coding change: c.2540C>A on transcript NM_004360.5 (MANE Select); coding-DNA position 2540, C replaced by A.
Protein change: p.Ser847Tyr; replaces serine 847 with tyrosine.
Molecular consequence: missense variant.
Genome position (GRCh38, 1-based): chr16:68,833,390, C>A. VCF-style: chr16-68833390-C-A. GRCh37 (hg19) VCF-style: chr16-68867293-C-A.
Other names: c.2357C>A, p.Ser786Tyr (NM_001317184.2); c.992C>A, p.Ser331Tyr (NM_001317185.2); c.575C>A, p.Ser192Tyr (NM_001317186.2); short protein forms S847Y, S192Y, S786Y, S331Y.
Identifiers: ClinVar variation 4825313 (VCV004825313.1).